The following is an entry in ClinVar:

NM_003001.5(SDHC):c.263C>T (p.Ser88Leu)

Gene: SDHC (succinate dehydrogenase complex subunit C; plus strand). Cytogenetic location: 1q23.3.
Variant type: single nucleotide variant.
Coding change: c.263C>T on transcript NM_003001.5 (MANE Select); coding-DNA position 263, C replaced by T.
Protein change: p.Ser88Leu; replaces serine 88 with leucine.
Molecular consequence: missense variant. On other transcripts: non-coding transcript variant (1), intron variant (3).
Genome position (GRCh38, 1-based): chr1:161,356,698, C>T. VCF-style: chr1-161356698-C-T. GRCh37 (hg19) VCF-style: chr1-161326488-C-T.
Other names: c.161C>T, p.Ser54Leu (NM_001035512.3); c.104C>T, p.Ser35Leu (NM_001035513.3); c.383C>T, p.Ser128Leu (NM_001407115.1); c.206C>T, p.Ser69Leu (NM_001407116.1); c.200C>T, p.Ser67Leu (NM_001407117.1); c.155C>T, p.Ser52Leu (NM_001407118.1); c.152C>T, p.Ser51Leu (NM_001407119.1, NM_001407120.1); c.242-5631C>T (NM_001035511.3); and 2 more; short protein forms S88L, S54L, S35L, S51L, S67L, S128L, S52L, S69L.
Identifiers: ClinVar variation 407056 (VCV000407056.21), dbSNP rs778212096, ClinGen allele CA047197.

ClinVar aggregate classification (germline): Conflicting classifications of pathogenicity. Review status: criteria provided, conflicting classifications (1 of 4 stars). 8 submissions from 8 submitters: Uncertain significance (7); Likely benign (1). Last evaluated 2026-01-31.

Conditions:
Gastrointestinal stromal tumor. Also called: Gastrointestinal stromal tumor, somatic; Gastrointestinal stroma tumor. Identifiers: Orphanet 44890, MedGen C0238198, MeSH D046152, MONDO:0011719, OMIM 606764, HP:0100723.
Pheochromocytoma/paraganglioma syndrome 3. Also called: GLOMUS TUMORS, FAMILIAL, 3; SDHC-Related Hereditary Paraganglioma-Pheochromocytoma Syndrome (Paragangliomas 3); Paragangliomas 3; SDHC-Related Hereditary Paraganglioma-Pheochromocytoma Syndrome. Identifiers: Orphanet 29072, MedGen C1854336, MONDO:0011544, OMIM 605373.
Hereditary cancer-predisposing syndrome. Also called: Neoplastic Syndromes, Hereditary; Hereditary Cancer Syndrome; Hereditary neoplastic syndrome; Tumor predisposition. Identifiers: Orphanet 140162, MedGen C0027672, MeSH D009386, MONDO:0015356.
Carney-Stratakis syndrome. Also called: PARAGANGLIOMA AND GASTROINTESTINAL STROMAL TUMOR. Identifiers: Orphanet 97286, MedGen C1847319, MONDO:0011740, OMIM 606864.
Hereditary pheochromocytoma and paraganglioma. Also called: Hereditary Paraganglioma-Pheochromocytoma Syndromes; Hereditary pheochromocytoma-paraganglioma; Hereditary paragangliomas and pheochromocytomas. Identifiers: Orphanet 29072, MedGen C4274332, MONDO:0017366.

Allele frequency attached by ClinVar (database versions not stated): gnomAD 0.00001; ExAC 0.00002; gnomAD exomes 0.00002 and 0.00004; TOPMed 0.00002.
gnomAD v4.1: 54 of 1,613,810 alleles (0.0033%); highest among the groups gnomAD compares: Non-Finnish European, 0.0044%; no homozygotes.

Submissions (8):

Labcorp Genetics (formerly Invitae), Labcorp
Classification: Uncertain significance for Pheochromocytoma/paraganglioma syndrome 3; Gastrointestinal stromal tumor. Last evaluated: 2026-01-31. Review status: criteria provided, single submitter. Criteria: Invitae Variant Classification Sherloc (09022015). Collection method: clinical testing. Allele origin: germline.
Comment: This sequence change replaces serine, which is neutral and polar, with leucine, which is neutral and non-polar, at codon 88 of the SDHC protein (p.Ser88Leu). This variant is present in population databases (rs778212096, gnomAD 0.005%). This variant has not been reported in the literature in individuals affected with SDHC-related conditions. ClinVar contains an entry for this variant (Variation ID: 407056). An algorithm developed to predict the effect of missense changes on protein structure and function (PolyPhen-2) suggests that this variant is likely to be tolerated. In summary, the available evidence is currently insufficient to determine the role of this variant in disease. Therefore, it has been classified as a Variant of Uncertain Significance.

Center for Genomic Medicine, Rigshospitalet, Copenhagen University Hospital
Classification: Uncertain significance. Last evaluated: 2025-03-04. Review status: criteria provided, single submitter. Criteria: ACMG Guidelines, 2015. Collection method: clinical testing. Allele origin: germline.

Quest Diagnostics Nichols Institute San Juan Capistrano
Classification: Uncertain significance. Last evaluated: 2025-03-02. Review status: criteria provided, single submitter. Criteria: Quest Diagnostics criteria. Collection method: clinical testing. Allele origin: unknown.
Comment: The SDHC c.263C>T (p.Ser88Leu) variant has been reported in the published literature in an individual affected with unspecified advanced cancer (PMID: 28873162 (2017)). The frequency of this variant in the general population (Genome Aggregation Database) is uninformative in the assessment of its pathogenicity. Analysis of this variant using bioinformatics tools for the prediction of the effect of amino acid changes on protein structure and function yielded conflicting predictions that this variant is deleterious or benign. Based on the available information, we are unable to determine the clinical significance of this variant.

Fulgent Genetics
Classification: Uncertain significance for Pheochromocytoma/paraganglioma syndrome 3; Gastrointestinal stromal tumor; Carney-Stratakis syndrome. Last evaluated: 2024-05-13. Review status: criteria provided, single submitter. Criteria: ACMG Guidelines, 2015. Collection method: clinical testing. Allele origin: germline.

Color Diagnostics, LLC DBA Color Health
Classification: Uncertain significance for Hereditary pheochromocytoma and paraganglioma. Last evaluated: 2023-10-12. Review status: criteria provided, single submitter. Criteria: ACMG Guidelines, 2015. Collection method: clinical testing. Allele origin: germline.
Comment: This missense variant replaces serine with leucine at codon 88 of the SDHC protein. Computational prediction suggests that this variant may not impact protein structure and function. To our knowledge, functional studies have not been reported for this variant. This variant has been reported in individuals affected with hereditary paranganglioma pheochromocytoma syndrome (PMID: 34558728). This variant has been identified in 6/280114 chromosomes in the general population by the Genome Aggregation Database (gnomAD). The available evidence is insufficient to determine the role of this variant in disease conclusively. Therefore, this variant is classified as a Variant of Uncertain Significance.

Baylor Genetics
Classification: Uncertain significance for Gastrointestinal stromal tumor. Last evaluated: 2023-10-06. Review status: criteria provided, single submitter. Criteria: ACMG Guidelines, 2015. Collection method: clinical testing. Allele origin: unknown.

GeneDx
Classification: Uncertain significance. Last evaluated: 2021-08-24. Review status: criteria provided, single submitter. Criteria: GeneDx Variant Classification Process June 2021. Collection method: clinical testing. Allele origin: germline. Affected: yes.
Comment: Not observed at significant frequency in large population cohorts (Lek 2016); In silico analysis supports that this missense variant does not alter protein structure/function; Observed in at least one individual with an unspecified cancer undergoing multigene panel testing (Mandelker 2017); This variant is associated with the following publications: (PMID: 28873162)

Ambry Genetics
Classification: Likely benign for Hereditary cancer-predisposing syndrome. Last evaluated: 2020-12-15. Review status: criteria provided, single submitter. Criteria: Ambry Variant Classification Scheme 2023. Collection method: clinical testing. Allele origin: germline.

Literature cited by the submitters: PubMed 28873162 (cited by Quest Diagnostics Nichols Institute San Juan Capistrano and Ambry Genetics); PubMed 34558728 (cited by Color Diagnostics, LLC DBA Color Health).